The following is an entry in ClinVar:

ClinVar aggregate classification (germline): Pathogenic (1 of 4 stars; one submission).

Conditions:
Hereditary nonpolyposis colorectal neoplasms. Identifiers: MedGen C0009405, MeSH D003123.

Submission:

Labcorp Genetics (formerly Invitae), Labcorp
Classification: Pathogenic for Hereditary nonpolyposis colon cancer. Last evaluated: 2018-03-26. Review status: criteria provided, single submitter. Criteria: Invitae Variant Classification Sherloc (09022015). Collection method: clinical testing. Allele origin: germline.
Comment: This variant is a gross deletion of the genomic region encompassing exons 5-15 of the PMS2 gene. The 5' boundary is likely confined to intron 4. The 3' end of this event is unknown as it extends through the termination codon beyond the assayed region for this gene and may encompass additional genes. While this deletion is not anticipated to result in nonsense mediated decay, it is expected to create a truncated protein product or disrupt mRNA translation. Similar deletions have not been reported in the literature in individuals with PMS2-related disease. No functional studies have been performed to test the effects of this variant on PMS2 protein function or stability. However, it is expected to result in the loss of the last 745 amino acids (118-862) of the protein, which comprises most of the PMS2 protein. In particular, this deletion removes the MLH1 interaction domain (amino acids 675-850), which has been shown to be critical for PMS2-MLH1 dimerization (PMID: 10037723,Â¬â€ 12697830), and therefore mismatch repair activity (PMID: 16338176, 20533529). Several missense substitutions in exons 5-15 (p.Lys301Asn, p.Ile668Val and p.Glu705Lys) have been determined to be pathogenic (PMID: 18602922, 26110232, 25856668, 27435373, 25691505, 24027009, 20176959, 26318770, 27601186). This suggests that this region is critical for PMS2 protein function and this deletion variant may also be pathogenic. For these reasons, this variant has been classified as Pathogenic.

Literature cited by the submitters: PubMed 20533529; PubMed 18602922; PubMed 27601186; PubMed 27435373; PubMed 16338176; PubMed 24027009; PubMed 26318770; PubMed 26110232; PubMed 20176959; PubMed 25856668; PubMed 25691505; PubMed 10037723.

NC_000007.14:g.(?_5986753)_(6002642_?)del

Gene: PMS2 (PMS1 homolog 2, mismatch repair system component; minus strand). Cytogenetic location: 7p22.1.
Variant type: Deletion.
Identifiers: ClinVar variation 525985 (VCV000525985.1).